The following is an entry in ClinVar:

ClinVar aggregate classification (germline): Benign. Review status: criteria provided, multiple submitters, no conflicts (2 of 4 stars). 3 submissions from 3 submitters: Benign (2). 1 of the submissions does not count toward it. Last evaluated 2018-06-28.

Conditions:
PREX2-related disorder. Also called: PREX2-related condition.

Allele frequency attached by ClinVar (database versions not stated): 1000 Genomes Project 30x 0.26031; 1000 Genomes Project 0.26118; TOPMed 0.28804; ESP Exome Variant Server 0.29156.
gnomAD v4.1: 486,544 of 1,603,834 alleles (30%); highest among the groups gnomAD compares: Admixed American, 33%; 75,090 homozygotes.

Submissions (4):

GeneDx
Classification: Benign. Last evaluated: 2018-06-28. Review status: criteria provided, single submitter. Criteria: GeneDx Variant Classification Process June 2021. Collection method: clinical testing. Allele origin: germline. Affected: yes.

Breakthrough Genomics
Classification: Benign. Review status: criteria provided, single submitter. Criteria: ACMG Guidelines, 2015. Collection method: not provided. Allele origin: germline. Inheritance: Unknown mechanism. Affected: yes.

PreventionGenetics, part of Exact Sciences
Classification: Benign for PREX2-related condition. Last evaluated: 2019-10-17. Review status: no assertion criteria provided. Collection method: clinical testing. Allele origin: germline. Not counted in ClinVar's aggregate classification.
Comment: This variant is classified as benign based on ACMG/AMP sequence variant interpretation guidelines (Richards et al. 2015 PMID: 25741868, with internal and published modifications).

Dr. Peter K. Rogan Lab, Western University
No classification provided (evidence only). Condition: Malignant lymphoma, large B-cell, diffuse. Review status: no classification provided. Collection method: in vitro. Allele origin: not applicable. Functional consequence: retained intron. Not counted in ClinVar's aggregate classification.

NM_024870.4(PREX2):c.1239-7C>G

Gene: PREX2 (phosphatidylinositol-3,4,5-trisphosphate dependent Rac exchange factor 2; plus strand). Cytogenetic location: 8q13.2.
Variant type: single nucleotide variant.
Coding change: c.1239-7C>G on transcript NM_024870.4 (MANE Select); 7 bases into the intron before coding-DNA position 1239, C replaced by G.
Molecular consequence: intron variant.
Genome position (GRCh38, 1-based): chr8:68,060,672, C>G. VCF-style: chr8-68060672-C-G. GRCh37 (hg19) VCF-style: chr8-68972907-C-G.
Other names: NC_000008.10:g.68972907C>G; c.1239-7C>G (NM_024870.3, NM_025170.6).
Identifiers: ClinVar variation 1283008 (VCV001283008.5), dbSNP rs1369164, ClinGen allele CA4773548.